The following is an entry in ClinVar:

NM_003024.3(ITSN1):c.934C>T (p.Arg312Ter)

Gene: ITSN1 (intersectin 1; plus strand). Cytogenetic location: 21q22.11.
Variant type: single nucleotide variant.
Coding change: c.934C>T on transcript NM_003024.3 (MANE Select); coding-DNA position 934, C replaced by T.
Protein change: p.Arg312Ter; replaces arginine 312 with a stop codon.
Molecular consequence: nonsense.
Genome position (GRCh38, 1-based): chr21:33,767,720, C>T. VCF-style: chr21-33767720-C-T. GRCh37 (hg19) VCF-style: chr21-35140024-C-T.
Other names: c.934C>T, p.Arg312Ter (NM_001001132.2, NM_001331008.2, NM_001331009.2 and 2 more transcripts); c.823C>T, p.Arg275Ter (NM_001331012.2); c.934C>T (NM_003024.2); short protein forms R275*, R312*.
Identifiers: ClinVar variation 3777173 (VCV003777173.1).
Genomic context (GRCh38, chr21:33,767,720, plus strand): 5'-TCCACCCAGACAGCTCTGTGTGAATCTATTTTTCTTTTTCCCCGCAATTGCAGAAGAGTT[C>T]GATCTGGCAGTGGTATATCTGTCATAAGCTCAACATCTGTAGATCAGAGGCTACCAGAGG-3'

ClinVar aggregate classification (germline): Likely pathogenic (1 of 4 stars; one submission).

Conditions:
ITSN1-related neurodevelopmental disorder.

Submission:

University of Washington Department of Laboratory Medicine, University of Washington
Classification: Likely pathogenic for ITSN1-related neurodevelopmental disorder. Last evaluated: 2022-06-02. Review status: criteria provided, single submitter. Criteria: ACMG Guidelines, 2015. Collection method: clinical testing. Allele origin: unknown. Affected: yes.
Comment: The p.Arg312* variant in the ITSN1 gene has not been previously reported in association with disease. This variant has been identified in 1/245,614 chromosomes by the Genome Aggregation Database, but is absent from the non-neurologic subset of the database. The p.Arg312* variant leads to a premature stop codon in exon 11 of 40 exons and is predicted to undergo nonsense-mediated decay resulting in a truncated or absent protein. These predictions have not been tested directly. Heterozygous loss of function leading to haploinsufficiency of the ITSN1 gene is an established mechanism of disease. Using ACMG guidelines, this variant was classified as likely pathogenic for autosomal dominant ITSN1-related neurodevelopmental disorder (ACMG evidence codes used: PVS1, PM2_supporting).